The following is an entry in ClinVar:

NM_000093.5(COL5A1):c.4285_4286delinsTT (p.Gly1429Leu)

Gene: COL5A1 (collagen type V alpha 1 chain; plus strand). Cytogenetic location: 9q34.3.
Variant type: Indel.
Coding change: c.4285_4286delinsTT on transcript NM_000093.5 (MANE Select); coding-DNA positions 4285 to 4286, GG replaced by TT.
Protein change: p.Gly1429Leu; replaces glycine 1429 with leucine.
Molecular consequence: missense variant.
Genome position (GRCh38, 1-based): chr9:134,818,710-134,818,711, GG replaced by TT. VCF-style: chr9-134818710-GG-TT. GRCh37 (hg19) VCF-style: chr9-137710556-GG-TT.
Other names: c.4285_4286delinsTT, p.Gly1429Leu (NM_001278074.1); short protein forms G1429L.
Identifiers: ClinVar variation 2030632 (VCV002030632.4), dbSNP rs2490849985, ClinGen allele CA2580080120.

ClinVar aggregate classification (germline): Uncertain significance (1 of 4 stars; one submission).

Conditions:
Ehlers-Danlos syndrome, classic type, 1 (EDSCL1). Also called: EHLERS-DANLOS SYNDROME, GRAVIS TYPE; EHLERS-DANLOS SYNDROME, SEVERE CLASSIC TYPE; Ehlers-Danlos syndrome, type 1; EDS I; Ehlers-Danlos Syndrome, Classic Type, COL5A1-Related. Identifiers: MedGen C0268335, MONDO:0019567, OMIM 130000.

Submission:

Labcorp Genetics (formerly Invitae), Labcorp
Classification: Uncertain significance for Ehlers-Danlos syndrome, classic type, 1. Last evaluated: 2022-09-15. Review status: criteria provided, single submitter. Criteria: Invitae Variant Classification Sherloc (09022015). Collection method: clinical testing. Allele origin: germline.
Comment: This sequence change replaces glycine, which is neutral and non-polar, with leucine, which is neutral and non-polar, at codon 1429 of the COL5A1 protein (p.Gly1429Leu). Information on the frequency of this variant in the gnomAD database is not available, as this variant may be reported differently in the database. This variant has not been reported in the literature in individuals affected with COL5A1-related conditions. Experimental studies and prediction algorithms are not available or were not evaluated, and the functional significance of this variant is currently unknown. This variant disrupts the triple helix domain of COL5A1. Glycine residues within the Gly-Xaa-Yaa repeats of the triple helix domain are required for the structure and stability of fibrillar collagens (PMID: 7695699, 8218237, 19344236), and variants at these glycine residues in COL5A1 are more frequently observed in individuals with disease than in the general population (PMID: 22696272, 23587214). However, the clinical significance of this observation remains uncertain since only a limited number of affected individuals have been described to date. In summary, the available evidence is currently insufficient to determine the role of this variant in disease. Therefore, it has been classified as a Variant of Uncertain Significance.

Literature cited by the submitters: PubMed 7695699; PubMed 8218237; PubMed 19344236; PubMed 22696272; PubMed 23587214.